The following is an entry in ClinVar:

NM_001114753.3(ENG):c.374T>C (p.Val125Ala)

Gene: ENG (endoglin; minus strand). Cytogenetic location: 9q34.11.
Variant type: single nucleotide variant.
Coding change: c.374T>C on transcript NM_001114753.3 (MANE Select); coding-DNA position 374, T replaced by C.
Protein change: p.Val125Ala; replaces valine 125 with alanine.
Molecular consequence: missense variant. On other transcripts: 5 prime UTR variant (1).
Genome position (GRCh38, 1-based): chr9:127,826,659, A>G on the plus strand (T>C on the coding strand, the complement: ENG is on the minus strand). VCF-style: chr9-127826659-A-G. GRCh37 (hg19) VCF-style: chr9-130588938-A-G.
Other names: c.374T>C, p.Val125Ala (NM_000118.4, NM_001406715.1); c.-173T>C (NM_001278138.2); c.374T>C (NM_000118.2); short protein forms V125A.
Identifiers: ClinVar variation 402828 (VCV000402828.14), dbSNP rs750115837, ClinGen allele CA5253132.

ClinVar aggregate classification (germline): Uncertain significance. Review status: criteria provided, multiple submitters, no conflicts (2 of 4 stars). 4 submissions from 4 submitters: Uncertain significance (4). Last evaluated 2025-10-02.

Conditions:
Hereditary hemorrhagic telangiectasia (HHT). Also called: ORW DISEASE; Osler Weber Rendu syndrome; OSLER-RENDU-WEBER DISEASE; Osler hemorrhagic telangiectasia syndrome. Identifiers: Orphanet 774, MedGen C0039445, MONDO:0019180. Disease mechanism: loss of function.
Telangiectasia, hereditary hemorrhagic, type 1 (HHT1). Also called: Osler Weber Rendu syndrome type 1; ENG-Related Hereditary Hemorrhagic Telangiectasia. Identifiers: Orphanet 774, MedGen C4551861, MONDO:0008535, OMIM 187300. Disease mechanism: loss of function.

Allele frequency attached by ClinVar (database versions not stated): gnomAD exomes 0.00002 and 0.00003; gnomAD 0.00003; TOPMed 0.00003; ExAC 0.00001.
gnomAD v4.1: 42 of 1,613,526 alleles (0.0026%); highest among the groups gnomAD compares: Non-Finnish European, 0.0036%; no homozygotes.

Submissions (4):

Labcorp Genetics (formerly Invitae), Labcorp
Classification: Uncertain significance for Hereditary hemorrhagic telangiectasia. Last evaluated: 2025-10-02. Review status: criteria provided, single submitter. Criteria: Invitae Variant Classification Sherloc (09022015). Collection method: clinical testing. Allele origin: germline.
Comment: This sequence change replaces valine, which is neutral and non-polar, with alanine, which is neutral and non-polar, at codon 125 of the ENG protein (p.Val125Ala). This variant is present in population databases (rs750115837, gnomAD 0.004%). This missense change has been observed in individual(s) with epistaxis, pulmonary arteriovenous malformation, or polyps (PMID: 21158752, 27146957). ClinVar contains an entry for this variant (Variation ID: 402828). Invitae Evidence Modeling of protein sequence and biophysical properties (such as structural, functional, and spatial information, amino acid conservation, physicochemical variation, residue mobility, and thermodynamic stability) has been performed for this missense variant. However, the output from this modeling did not meet the statistical confidence thresholds required to predict the impact of this variant on ENG protein function. In summary, the available evidence is currently insufficient to determine the role of this variant in disease. Therefore, it has been classified as a Variant of Uncertain Significance.

GeneDx
Classification: Uncertain significance. Last evaluated: 2024-11-05. Review status: criteria provided, single submitter. Criteria: GeneDx Variant Classification Process June 2021. Collection method: clinical testing. Allele origin: germline. Affected: yes.
Comment: Reported in a proband with epistaxis and pulmonary AVM in the published literature; however, this proband also harbors an additional ENG variant (PMID: 21158752); Not observed at significant frequency in large population cohorts (gnomAD); In silico analysis indicates that this missense variant does not alter protein structure/function; This variant is associated with the following publications: (PMID: 27146957, 21158752)

Fulgent Genetics
Classification: Uncertain significance for Telangiectasia, hereditary hemorrhagic, type 1. Last evaluated: 2021-10-27. Review status: criteria provided, single submitter. Criteria: ACMG Guidelines, 2015. Collection method: clinical testing. Allele origin: unknown.

Laboratory for Molecular Medicine, Mass General Brigham Personalized Medicine
Classification: Uncertain significance. Last evaluated: 2016-03-31. Review status: criteria provided, single submitter. Criteria: LMM Criteria. Collection method: clinical testing. Allele origin: germline.
Comment: Variant identified in a genome or exome case(s) and assessed due to predicted null impact of the variant or pathogenic assertions in the literature or databases. Disclaimer: This variant has not undergone full assessment. ExAC: 1/66342 European

Literature cited by the submitters: PubMed 21158752 (cited by Labcorp Genetics (formerly Invitae), Labcorp); PubMed 27146957 (cited by Labcorp Genetics (formerly Invitae), Labcorp).